The following is an entry in ClinVar:

ClinVar aggregate classification (germline): Uncertain significance. Review status: criteria provided, single submitter (1 of 4 stars). 2 submissions from 2 submitters: Uncertain significance (1). 1 of the submissions does not count toward it. Last evaluated 2024-12-09.

Conditions:
Neu-Laxova syndrome 2. Identifiers: Orphanet 2671, Orphanet 583602, MedGen C4015019, MONDO:0014466, OMIM 616038.

Allele frequency attached by ClinVar (database versions not stated): TOPMed 0.00004.

Submissions (2):

Labcorp Genetics (formerly Invitae), Labcorp
Classification: Uncertain significance for Neu-Laxova syndrome 2. Last evaluated: 2024-12-09. Review status: criteria provided, single submitter. Criteria: Invitae Variant Classification Sherloc (09022015). Collection method: clinical testing. Allele origin: germline.
Comment: This sequence change replaces alanine, which is neutral and non-polar, with threonine, which is neutral and polar, at codon 153 of the PSAT1 protein (p.Ala153Thr). This variant is present in population databases (rs199619145, gnomAD 0.02%). This variant has not been reported in the literature in individuals affected with PSAT1-related conditions. ClinVar contains an entry for this variant (Variation ID: 976888). Invitae Evidence Modeling of protein sequence and biophysical properties (such as structural, functional, and spatial information, amino acid conservation, physicochemical variation, residue mobility, and thermodynamic stability) indicates that this missense variant is not expected to disrupt PSAT1 protein function with a negative predictive value of 80%. Experimental studies are conflicting or provide insufficient evidence to determine the effect of this variant on PSAT1 function (PMID: 32077105). In summary, the available evidence is currently insufficient to determine the role of this variant in disease. Therefore, it has been classified as a Variant of Uncertain Significance.

Dudley Research Group, Pacific Northwest Research Institute
No classification provided. Review status: no classification provided. Collection method: research, in vivo. Allele origin: unknown, not applicable. Functional consequence: loss_of_function_variant. Not counted in ClinVar's aggregate classification.

Literature cited by the submitters: PubMed 32077105 (cited by Labcorp Genetics (formerly Invitae), Labcorp).

NM_058179.4(PSAT1):c.457G>A (p.Ala153Thr)

Gene: PSAT1 (phosphoserine aminotransferase 1; plus strand). Cytogenetic location: 9q21.2.
Variant type: single nucleotide variant.
Coding change: c.457G>A on transcript NM_058179.4 (MANE Select); coding-DNA position 457, G replaced by A.
Protein change: p.Ala153Thr; replaces alanine 153 with threonine.
Molecular consequence: missense variant.
Genome position (GRCh38, 1-based): chr9:78,306,373, G>A. VCF-style: chr9-78306373-G-A. GRCh37 (hg19) VCF-style: chr9-80921289-G-A.
Other names: c.457G>A, p.Ala153Thr (NM_021154.5); short protein forms A153T.
Identifiers: ClinVar variation 976888 (VCV000976888.9), dbSNP rs199619145, ClinGen allele CA5095632.